The following is an entry in ClinVar:

NM_004946.3(DOCK2):c.1483-17dup

Gene: DOCK2 (dedicator of cytokinesis 2; plus strand). Cytogenetic location: 5q35.1.
Variant type: Duplication.
Coding change: c.1483-17dup on transcript NM_004946.3 (MANE Select); 17 bases into the intron before coding-DNA position 1483, one base duplicated (T; older notation c.1483-17dupT).
Molecular consequence: intron variant.
Genome position (GRCh38, 1-based): chr5:169,711,918, T duplicated. VCF-style (leftmost placement, unchanged base first): chr5-169711917-C-CT. GRCh37 (hg19) VCF-style: chr5-169138921-C-CT.
Other names: c.1483-17dupT (NM_004946.3).
Identifiers: ClinVar variation 1168378 (VCV001168378.10), dbSNP rs149389326, ClinGen allele CA3553492.

ClinVar aggregate classification (germline): Benign. Review status: criteria provided, multiple submitters, no conflicts (2 of 4 stars). 2 submissions from 2 submitters: Benign (2). Last evaluated 2026-04-16.

Conditions:
DOCK2 deficiency. Also called: Immunodeficiency 40. Identifiers: Orphanet 447737, MedGen C4225328, MONDO:0014637, OMIM 616433.

Allele frequency attached by ClinVar (database versions not stated): gnomAD 0.00749 and 0.00768; gnomAD exomes 0.00776 and 0.00823; 1000 Genomes Project 30x 0.00328; 1000 Genomes Project 0.00339; TOPMed 0.00439; ESP Exome Variant Server 0.00495; ExAC 0.00719.

Submissions (2):

Women's Health and Genetics/Laboratory Corporation of America, LabCorp
Classification: Benign. Last evaluated: 2026-04-16. Review status: criteria provided, single submitter. Criteria: LabCorp Variant Classification Summary - May 2015. Collection method: clinical testing. Allele origin: germline.
Comment: Variant summary: DOCK2 c.1483-17dupT alters a nucleotide located at a position not widely known to affect splicing. Several computational tools predict a significant impact on normal splicing: Two predict the variant weakens a 3' acceptor site, whereas one predicts the variant has no significant impact on splicing. However, these predictions have yet to be confirmed by functional studies. The variant allele was found at a frequency of 0.0078 in 250686 control chromosomes in the gnomAD database, including 29 homozygotes. The observed variant frequency exceeds the estimated maximal expected allele frequency for disease-causing variants in DOCK2. To our knowledge, no occurrence of c.1483-17dupT in individuals affected with DOCK2-related conditions and no experimental evidence demonstrating its impact on protein function have been reported. ClinVar contains an entry for this variant (Variation ID: 1168378). Based on the evidence outlined above, the variant was classified as benign.

Labcorp Genetics (formerly Invitae), Labcorp
Classification: Benign for DOCK2 deficiency. Last evaluated: 2026-02-01. Review status: criteria provided, single submitter. Criteria: Invitae Variant Classification Sherloc (09022015). Collection method: clinical testing. Allele origin: germline.